The following is an entry in ClinVar:

ClinVar aggregate classification (germline): Uncertain significance (1 of 4 stars; one submission).

gnomAD v4.1: 93 of 1,613,994 alleles (0.0058%); highest among the groups gnomAD compares: African/African-American, 0.015%; no homozygotes.

Submission:

Labcorp Genetics (formerly Invitae), Labcorp
Classification: Uncertain significance. Last evaluated: 2025-09-16. Review status: criteria provided, single submitter. Criteria: Invitae Variant Classification Sherloc (09022015). Collection method: clinical testing. Allele origin: germline.
Comment: This sequence change replaces threonine, which is neutral and polar, with methionine, which is neutral and non-polar, at codon 333 of the TRAP1 protein (p.Thr333Met). The frequency data for this variant in the population databases is considered unreliable, as metrics indicate poor data quality at this position in the gnomAD database. This variant has not been reported in the literature in individuals affected with TRAP1-related conditions. Invitae Evidence Modeling of protein sequence and biophysical properties (such as structural, functional, and spatial information, amino acid conservation, physicochemical variation, residue mobility, and thermodynamic stability) indicates that this missense variant is not expected to disrupt TRAP1 protein function with a negative predictive value of 80%. In summary, the available evidence is currently insufficient to determine the role of this variant in disease. Therefore, it has been classified as a Variant of Uncertain Significance.

NM_016292.3(TRAP1):c.998C>T (p.Thr333Met)

Gene: TRAP1 (TNF receptor associated protein 1; minus strand). Cytogenetic location: 16p13.3.
Variant type: single nucleotide variant.
Coding change: c.998C>T on transcript NM_016292.3 (MANE Select); coding-DNA position 998, C replaced by T.
Protein change: p.Thr333Met; replaces threonine 333 with methionine.
Molecular consequence: missense variant.
Genome position (GRCh38, 1-based): chr16:3,674,385, G>A on the plus strand (C>T on the coding strand, the complement: TRAP1 is on the minus strand). VCF-style: chr16-3674385-G-A. GRCh37 (hg19) VCF-style: chr16-3724386-G-A.
Other names: c.839C>T, p.Thr280Met (NM_001272049.2); short protein forms T280M, T333M.
Identifiers: ClinVar variation 4796983 (VCV004796983.1).
Genomic context (GRCh38, chr16:3,674,385, plus strand): 5'-CCACAGTGCCTCACCATGTCGGGCACGTAGAAGATGCTGCGGATGTTGAGCGGTGCGTCC[G>A]TCTTATAGTGCAGGGTGTAGCGGGGCTTGTCGTGAGCCTGCGCGACGTAGCGGTAGAACT-3'
Protein context (NP_057376.2, residues 323-343): DKPRYTLHYK[Thr333Met]DAPLNIRSIF